The following is an entry in ClinVar:

NM_145698.5(ACBD5):c.457A>G (p.Lys153Glu)

Gene: ACBD5 (acyl-CoA binding domain containing 5; minus strand). Cytogenetic location: 10p12.1.
Variant type: single nucleotide variant.
Coding change: c.457A>G on transcript NM_145698.5 (MANE Select); coding-DNA position 457, A replaced by G.
Protein change: p.Lys153Glu; replaces lysine 153 with glutamic acid.
Molecular consequence: missense variant.
Genome position (GRCh38, 1-based): chr10:27,223,371, T>C on the plus strand (A>G on the coding strand, the complement: ACBD5 is on the minus strand). VCF-style: chr10-27223371-T-C. GRCh37 (hg19) VCF-style: chr10-27512300-T-C.
Other names: c.352A>G, p.Lys118Glu (NM_001042473.4, NM_001352574.2, NM_001352575.2 and 6 more transcripts); c.451A>G, p.Lys151Glu (NM_001271512.3, NM_001352571.1, NM_001352586.1 and 1 more transcripts); c.130A>G, p.Lys44Glu (NM_001301251.2, NM_001301252.2, NM_001301253.2 and 4 more transcripts); c.478A>G, p.Lys160Glu (NM_001352568.1, NM_001352572.1); c.457A>G, p.Lys153Glu (NM_001352569.1, NM_001352570.1, NM_001352573.1 and 2 more transcripts); short protein forms K160E, K118E, K151E, K153E, K44E.
Identifiers: ClinVar variation 1367612 (VCV001367612.3), dbSNP rs374261586, ClinGen allele CA5450953.

ClinVar aggregate classification (germline): Uncertain significance (1 of 4 stars; one submission).

Allele frequency attached by ClinVar (database versions not stated): gnomAD exomes 0.00001; ExAC 0.00002; gnomAD 0.00003 and 0.00004; TOPMed 0.00006; ESP Exome Variant Server 0.00008.
gnomAD v4.1: 102 of 1,613,834 alleles (0.0063%); highest among the groups gnomAD compares: Non-Finnish European, 0.0085%; no homozygotes.

Submission:

Labcorp Genetics (formerly Invitae), Labcorp
Classification: Uncertain significance. Last evaluated: 2022-07-27. Review status: criteria provided, single submitter. Criteria: Invitae Variant Classification Sherloc (09022015). Collection method: clinical testing. Allele origin: germline.
Comment: This sequence change replaces lysine, which is basic and polar, with glutamic acid, which is acidic and polar, at codon 153 of the ACBD5 protein (p.Lys153Glu). This variant is present in population databases (rs374261586, gnomAD 0.003%). This variant has not been reported in the literature in individuals affected with ACBD5-related conditions. ClinVar contains an entry for this variant (Variation ID: 1367612). Algorithms developed to predict the effect of missense changes on protein structure and function are either unavailable or do not agree on the potential impact of this missense change (SIFT: "Tolerated"; PolyPhen-2: "Possibly Damaging"; Align-GVGD: "Class C0"). In summary, the available evidence is currently insufficient to determine the role of this variant in disease. Therefore, it has been classified as a Variant of Uncertain Significance.